The following is an entry in ClinVar:

ClinVar aggregate classification (germline): Uncertain significance. Review status: criteria provided, multiple submitters, no conflicts (2 of 4 stars). 3 submissions from 3 submitters: Uncertain significance (3). Last evaluated 2025-07-03.

Conditions:
Hypokalemic periodic paralysis, type 1. Also called: Hypokalemic Periodic Paralysis Type 1 (AD); HypoPP. Identifiers: Orphanet 681, MedGen C3714580, MONDO:0042979, OMIM 170400.
Malignant hyperthermia, susceptibility to, 5 (MHS5). Also called: CACNA1S-Related Malignant Hyperthermia Susceptibility. Identifiers: Orphanet 423, MedGen C1866077, MONDO:0011163, OMIM 601887.

Allele frequency attached by ClinVar (database versions not stated): gnomAD exomes below 0.00001; ExAC 0.00001.
gnomAD v4.1: 3 of 1,614,102 alleles (0.00019%); highest among the groups gnomAD compares: Non-Finnish European, 0.00025%; no homozygotes.

Submissions (3):

Color Diagnostics, LLC DBA Color Health
Classification: Uncertain significance for Malignant hyperthermia, susceptibility to, 5. Last evaluated: 2025-07-03. Review status: criteria provided, single submitter. Criteria: ACMG Guidelines, 2015. Collection method: clinical testing. Allele origin: germline.
Comment: This missense variant replaces leucine with valine at codon 204 of the CACNA1S protein. Computational prediction suggests that this variant may not impact protein structure and function. To our knowledge, functional studies have not been reported for this variant. This variant has not been reported in individuals affected with CACNA1S-related disorders in the literature. This variant has been identified in 1/251396 chromosomes in the general population by the Genome Aggregation Database (gnomAD). The available evidence is insufficient to determine the role of this variant in disease conclusively. Therefore, this variant is classified as a Variant of Uncertain Significance.

All of Us Research Program, National Institutes of Health
Classification: Uncertain significance for Malignant hyperthermia, susceptibility to, 5. Last evaluated: 2023-10-02. Review status: criteria provided, single submitter. Criteria: ACMG Guidelines, 2015. Collection method: clinical testing. Allele origin: germline. Inheritance: Autosomal dominant inheritance. Observed: 2 variant alleles, 2 heterozygotes.
Comment: This study involves interpretation of variants in research participants for the purpose of population health screening. Participant phenotype was not available at the time of variant classification. Additional details can be found in publication PMID: 35346344, PMCID: PMC8962531

Labcorp Genetics (formerly Invitae), Labcorp
Classification: Uncertain significance for Hypokalemic periodic paralysis, type 1; Malignant hyperthermia, susceptibility to, 5. Last evaluated: 2021-09-01. Review status: criteria provided, single submitter. Criteria: Invitae Variant Classification Sherloc (09022015). Collection method: clinical testing. Allele origin: germline.
Comment: This sequence change replaces leucine with valine at codon 204 of the CACNA1S protein (p.Leu204Val). The leucine residue is moderately conserved and there is a small physicochemical difference between leucine and valine. This variant is present in population databases (rs753823016, ExAC 0.001%). This variant has not been reported in the literature in individuals affected with CACNA1S-related conditions. Algorithms developed to predict the effect of missense changes on protein structure and function are either unavailable or do not agree on the potential impact of this missense change (SIFT: "Deleterious"; PolyPhen-2: "Benign"; Align-GVGD: "Class C0"). In summary, the available evidence is currently insufficient to determine the role of this variant in disease. Therefore, it has been classified as a Variant of Uncertain Significance.

NM_000069.3(CACNA1S):c.610C>G (p.Leu204Val)

Gene: CACNA1S (calcium voltage-gated channel subunit alpha1 S; minus strand). Cytogenetic location: 1q32.1.
Variant type: single nucleotide variant.
Coding change: c.610C>G on transcript NM_000069.3 (MANE Select); coding-DNA position 610, C replaced by G.
Protein change: p.Leu204Val; replaces leucine 204 with valine.
Molecular consequence: missense variant.
Genome position (GRCh38, 1-based): chr1:201,091,724, G>C on the plus strand (C>G on the coding strand, the complement: CACNA1S is on the minus strand). VCF-style: chr1-201091724-G-C. GRCh37 (hg19) VCF-style: chr1-201060852-G-C.
Other names: short protein forms L204V.
Identifiers: ClinVar variation 664745 (VCV000664745.8), dbSNP rs753823016, ClinGen allele CA083925.